The following is an entry in ClinVar:

NM_004360.5(CDH1):c.1260dup (p.Gly421fs)

Gene: CDH1 (cadherin 1; plus strand). Cytogenetic location: 16q22.1.
Variant type: Duplication.
Coding change: c.1260dup on transcript NM_004360.5 (MANE Select); coding-DNA position 1260, one base duplicated (T; older notation c.1260dupT).
Protein change: p.Gly421fs; shifts the reading frame from glycine 421.
Molecular consequence: frameshift variant. On other transcripts: 5 prime UTR variant (2), intron variant (1).
Genome position (GRCh38, 1-based): chr16:68,813,435, T duplicated. VCF-style (leftmost placement, unchanged base first): chr16-68813434-G-GT. GRCh37 (hg19) VCF-style: chr16-68847337-G-GT.
Other names: c.-356dup (NM_001317185.2); c.-560dup (NM_001317186.2); c.1137+1172dup (NM_001317184.2); short protein forms G421fs.
Identifiers: ClinVar variation 2034697 (VCV002034697.4), dbSNP rs2543926974, ClinGen allele CA2580091939.

ClinVar aggregate classification (germline): Pathogenic (1 of 4 stars; one submission).

Conditions:
Hereditary diffuse gastric adenocarcinoma (HDGC). Also called: DIFFUSE GASTRIC AND LOBULAR BREAST CANCER SYNDROME. Identifiers: Orphanet 26106, MedGen C1708349, MONDO:0007648, OMIM 137215.

Submission:

Labcorp Genetics (formerly Invitae), Labcorp
Classification: Pathogenic for Hereditary diffuse gastric adenocarcinoma. Last evaluated: 2022-10-09. Review status: criteria provided, single submitter. Criteria: Invitae Variant Classification Sherloc (09022015). Collection method: clinical testing. Allele origin: germline.
Comment: This sequence change creates a premature translational stop signal (p.Gly421Trpfs*25) in the CDH1 gene. It is expected to result in an absent or disrupted protein product. Loss-of-function variants in CDH1 are known to be pathogenic (PMID: 15235021, 20373070). For these reasons, this variant has been classified as Pathogenic. This variant has not been reported in the literature in individuals affected with CDH1-related conditions. This variant is not present in population databases (gnomAD no frequency).

Literature cited by the submitters: PubMed 15235021; PubMed 20373070.